The following is an entry in ClinVar:

ClinVar aggregate classification (germline): Likely benign (1 of 4 stars; one submission).

gnomAD v4.1: 1 of 1,613,538 alleles (0.000062%); highest among the groups gnomAD compares: Middle Eastern, 0.017%; no homozygotes.

Submission:

CeGaT Center for Human Genetics Tuebingen
Classification: Likely benign. Last evaluated: 2024-09-01. Review status: criteria provided, single submitter. Criteria: CeGaT Center For Human Genetics Tuebingen Variant Classification Criteria Version 2. Collection method: clinical testing. Allele origin: germline. Affected: yes. Observed: 1 variant allele.
Comment: INTS1: BP4, BP7

NM_001080453.3(INTS1):c.582C>T (p.Ile194=)

Gene: INTS1 (integrator complex subunit 1; minus strand). Cytogenetic location: 7p22.3.
Variant type: single nucleotide variant.
Coding change: c.582C>T on transcript NM_001080453.3 (MANE Select); coding-DNA position 582, C replaced by T.
Protein change: p.Ile194=; no amino-acid change (isoleucine 194 retained).
Molecular consequence: synonymous variant.
Genome position (GRCh38, 1-based): chr7:1,499,986, G>A on the plus strand (C>T on the coding strand, the complement: INTS1 is on the minus strand). VCF-style: chr7-1499986-G-A. GRCh37 (hg19) VCF-style: chr7-1539622-G-A.
Identifiers: ClinVar variation 3389266 (VCV003389266.14).
Genomic context (GRCh38, chr7:1,499,986, plus strand): 5'-GGCCATGAGGAGGTTACAGGCCAGCACAGACACCAGGCTGTTCCCCTTGGCCTTGAAGTT[G>A]ATGGAGGCGTCCCGCCGCAGGAGGCTACACAGAGCCTGCCAGGGAGGGCGCATGTCACGT-3'
Protein context (NP_001073922.2, residues 184-204): LCSLLRRDAS[Ile194=]NFKAKGNSLV